The following is an entry in ClinVar:

NM_080732.4(EGLN2):c.389C>T (p.Ser130Leu)

Genes: EGLN2 (egl-9 family hypoxia inducible factor 2; plus strand), RAB4B-EGLN2 (RAB4B-EGLN2 readthrough (NMD candidate); plus strand). Cytogenetic location: 19q13.2.
Variant type: single nucleotide variant.
Coding change: c.389C>T on transcript NM_080732.4 (MANE Select); coding-DNA position 389, C replaced by T.
Protein change: p.Ser130Leu; replaces serine 130 with leucine.
Molecular consequence: missense variant. On other transcripts: non-coding transcript variant (1).
Genome position (GRCh38, 1-based): chr19:40,800,961, C>T. VCF-style: chr19-40800961-C-T. GRCh37 (hg19) VCF-style: chr19-41306866-C-T.
Other names: c.389C>T, p.Ser130Leu (NM_053046.4); short protein forms S130L.
Identifiers: ClinVar variation 1735980 (VCV001735980.2), dbSNP rs2515993914, ClinGen allele CA405955149.

ClinVar aggregate classification (germline): Uncertain significance (1 of 4 stars; one submission).

Submission:

Ambry Genetics
Classification: Uncertain significance. Last evaluated: 2024-03-23. Review status: criteria provided, single submitter. Criteria: Ambry Variant Classification Scheme 2023. Collection method: clinical testing. Allele origin: germline.
Comment: The p.S130L variant (also known as c.389C>T), located in coding exon 1 of the EGLN2 gene, results from a C to T substitution at nucleotide position 389. The serine at codon 130 is replaced by leucine, an amino acid with dissimilar properties. This amino acid position is conserved. In addition, this alteration is predicted to be tolerated by in silico analysis. Since supporting evidence is limited at this time, the clinical significance of this alteration remains unclear.